The following is an entry in ClinVar:

ClinVar aggregate classification (germline): Uncertain significance (1 of 4 stars; one submission).

gnomAD v4.1: 1 of 1,614,112 alleles (0.000062%); highest among the groups gnomAD compares: East Asian, 0.0022%; no homozygotes.

Submission:

Labcorp Genetics (formerly Invitae), Labcorp
Classification: Uncertain significance. Last evaluated: 2022-08-09. Review status: criteria provided, single submitter. Criteria: Invitae Variant Classification Sherloc (09022015). Collection method: clinical testing. Allele origin: germline.
Comment: This variant has not been reported in the literature in individuals affected with SLC19A2-related conditions. ClinVar contains an entry for this variant (Variation ID: 1485197). This variant is present in population databases (no rsID available, gnomAD 0.006%). This sequence change replaces valine, which is neutral and non-polar, with isoleucine, which is neutral and non-polar, at codon 478 of the SLC19A2 protein (p.Val478Ile). In summary, the available evidence is currently insufficient to determine the role of this variant in disease. Therefore, it has been classified as a Variant of Uncertain Significance. Advanced modeling of protein sequence and biophysical properties (such as structural, functional, and spatial information, amino acid conservation, physicochemical variation, residue mobility, and thermodynamic stability) performed at Invitae indicates that this missense variant is not expected to disrupt SLC19A2 protein function.

NM_006996.3(SLC19A2):c.1432G>A (p.Val478Ile)

Gene: SLC19A2 (solute carrier family 19 member 2; minus strand). Cytogenetic location: 1q24.2.
Variant type: single nucleotide variant.
Coding change: c.1432G>A on transcript NM_006996.3 (MANE Select); coding-DNA position 1432, G replaced by A.
Protein change: p.Val478Ile; replaces valine 478 with isoleucine.
Molecular consequence: missense variant.
Genome position (GRCh38, 1-based): chr1:169,465,911, C>T on the plus strand (G>A on the coding strand, the complement: SLC19A2 is on the minus strand). VCF-style: chr1-169465911-C-T. GRCh37 (hg19) VCF-style: chr1-169435149-C-T.
Other names: c.829G>A, p.Val277Ile (NM_001319667.1); short protein forms V277I, V478I.
Identifiers: ClinVar variation 1485197 (VCV001485197.6), dbSNP rs751968628, ClinGen allele CA343124282.
Genomic context (GRCh38, chr1:169,465,911, plus strand): 5'-ATGAAGTGGTTACTTGAGAACTTGATTGTGGATCTTCCAGCTTTCTACATTTCTTCATAA[C>T]ACTGACTGCACCACTGGCCAGGAAAACCACAGCGATGAGTGCAAAATAACTGGCATAGAT-3'
Protein context (NP_008927.1, residues 468-488): VVFLASGAVS[Val478Ile]MKKCRKLEDP